The following is an entry in ClinVar:

NM_000158.4(GBE1):c.202_203del (p.Lys68fs)

Gene: GBE1 (1,4-alpha-glucan branching enzyme 1; minus strand). Cytogenetic location: 3p12.2.
Variant type: Deletion.
Coding change: c.202_203del on transcript NM_000158.4 (MANE Select); coding-DNA positions 202 to 203, 2 bases deleted (AA; older notation c.202_203delAA).
Protein change: p.Lys68fs; shifts the reading frame from lysine 68.
Molecular consequence: frameshift variant.
Genome position (GRCh38, 1-based): chr3:81,705,554-81,705,555, TT deleted on the plus strand (AA on the coding strand, the reverse complement: GBE1 is on the minus strand). VCF-style (leftmost placement, unchanged base first): chr3-81705553-CTT-C. GRCh37 (hg19) VCF-style: chr3-81754704-CTT-C.
Other names: short protein forms K68fs.
Identifiers: ClinVar variation 849345 (VCV000849345.6), dbSNP rs1705761854, ClinGen allele CA916082583.

ClinVar aggregate classification (germline): Pathogenic (1 of 4 stars; one submission).

Conditions:
Glycogen storage disease IV, classic hepatic. Also called: GSD IV, CLASSIC HEPATIC. Identifiers: MedGen C1856301.
Glycogen storage disease, type IV (GSD4). Also called: AMYLOPECTINOSIS; ANDERSEN DISEASE; BRANCHER DEFICIENCY; CIRRHOSIS, FAMILIAL, WITH DEPOSITION OF ABNORMAL GLYCOGEN; GBE1 DEFICIENCY; GLYCOGEN BRANCHING ENZYME DEFICIENCY. Identifiers: Orphanet 367, MedGen C0017923, MONDO:0009292, OMIM 232500.

Allele frequency attached by ClinVar (database versions not stated): gnomAD exomes below 0.00001.

Submission:

Labcorp Genetics (formerly Invitae), Labcorp
Classification: Pathogenic for Glycogen storage disease, type IV; Glycogen storage disease IV, classic hepatic. Last evaluated: 2019-12-05. Review status: criteria provided, single submitter. Criteria: Invitae Variant Classification Sherloc (09022015). Collection method: clinical testing. Allele origin: germline.
Comment: This variant is not present in population databases (ExAC no frequency). This sequence change creates a premature translational stop signal (p.Lys68Valfs*6) in the GBE1 gene. It is expected to result in an absent or disrupted protein product. This variant has not been reported in the literature in individuals with GBE1-related conditions. For these reasons, this variant has been classified as Pathogenic. Loss-of-function variants in GBE1 are known to be pathogenic (PMID: 15452297, 20058079).

Literature cited by the submitters: PubMed 15452297; PubMed 20058079.